The following is an entry in ClinVar:

ClinVar aggregate classification (germline): Uncertain significance. Review status: criteria provided, multiple submitters, no conflicts (2 of 4 stars). 2 submissions from 2 submitters: Uncertain significance (2). Last evaluated 2022-03-29.

Allele frequency attached by ClinVar (database versions not stated): gnomAD exomes 0.00001 and 0.00002; ExAC 0.00002; TOPMed 0.00002; gnomAD 0.00003; ESP Exome Variant Server 0.00008.
gnomAD v4.1: 20 of 1,614,106 alleles (0.0012%); highest among the groups gnomAD compares: African/African-American, 0.0027%; no homozygotes.

Submissions (2):

Women's Health and Genetics/Laboratory Corporation of America, LabCorp
Classification: Uncertain significance. Last evaluated: 2022-03-29. Review status: criteria provided, single submitter. Criteria: LabCorp Variant Classification Summary - May 2015. Collection method: clinical testing. Allele origin: germline.
Comment: Variant summary: MKRN3 c.1034G>A (p.Arg345His) results in a non-conservative amino acid change located in the Zinc finger, RING-type of the encoded protein sequence. Four of five in-silico tools predict a damaging effect of the variant on protein function. The variant allele was found at a frequency of 2e-05 in 251484 control chromosomes. The available data on variant occurrences in the general population are insufficient to allow any conclusion about variant significance. c.1034G>A has been reported in the literature in individuals affected with Precocious Puberty, Central, 2. These report(s) do not provide unequivocal conclusions about association of the variant with Precocious Puberty, Central, 2. To our knowledge, no experimental evidence demonstrating an impact on protein function has been reported. No clinical diagnostic laboratories have submitted clinical-significance assessments for this variant to ClinVar after 2014. Based on the evidence outlined above, the variant was classified as uncertain significance.

Breakthrough Genomics
Classification: Uncertain significance. Review status: criteria provided, single submitter. Criteria: ACMG Guidelines, 2015. Collection method: not provided. Allele origin: germline. Inheritance: Autosomal dominant inheritance. Affected: yes.

Literature cited by the submitters: PubMed 26331766 (cited by Women's Health and Genetics/Laboratory Corporation of America, LabCorp).

NM_005664.4(MKRN3):c.1034G>A (p.Arg345His)

Gene: MKRN3 (makorin ring finger protein 3; plus strand). Cytogenetic location: 15q11.2.
Variant type: single nucleotide variant.
Coding change: c.1034G>A on transcript NM_005664.4 (MANE Select); coding-DNA position 1034, G replaced by A.
Protein change: p.Arg345His; replaces arginine 345 with histidine.
Molecular consequence: missense variant.
Genome position (GRCh38, 1-based): chr15:23,566,816, G>A. VCF-style: chr15-23566816-G-A. GRCh37 (hg19) VCF-style: chr15-23811963-G-A.
Other names: short protein forms R345H.
Identifiers: ClinVar variation 1677218 (VCV001677218.2), dbSNP rs375705600, ClinGen allele CA7429503.